The following is an entry in ClinVar:

NM_001378454.1(ALMS1):c.10427del (p.Val3476fs)

Gene: ALMS1 (ALMS1 centrosome and basal body associated protein; plus strand). Cytogenetic location: 2p13.1.
Variant type: Deletion.
Coding change: c.10427del on transcript NM_001378454.1 (MANE Select); coding-DNA position 10427, one base deleted (T; older notation c.10427delT).
Protein change: p.Val3476fs; shifts the reading frame from valine 3476.
Molecular consequence: frameshift variant.
Genome position (GRCh38, 1-based): chr2:73,572,304, T deleted. VCF-style (leftmost placement, unchanged base first): chr2-73572303-GT-G. GRCh37 (hg19) VCF-style: chr2-73799430-GT-G.
Other names: c.10430del, p.Val3477fs (NM_015120.4); short protein forms V3476fs, V3477fs.
Identifiers: ClinVar variation 917916 (VCV000917916.1), dbSNP rs1674946144, ClinGen allele CA1139657122.

ClinVar aggregate classification (germline): Pathogenic (0 of 4 stars; one submission).

Conditions:
Alstrom syndrome (ALMS). Identifiers: Orphanet 64, MedGen C0268425, MONDO:0008763, OMIM 203800.

Submission:

Genomic Medicine Center of Excellence, King Faisal Specialist Hospital and Research Centre
Classification: Pathogenic for Alstrom syndrome. Review status: no assertion criteria provided. Collection method: research. Allele origin: germline. Affected: yes.
Comment: It was observed with the other variant, NM_015120.4:c.3139C>T. (c.3133C>T) Review by NCBI staff determined that alignment issues between the genomic and mRNA rerenence sequences cause some resources to incorrectly produce c.10424delT on NM_015120.4 as a result for NC_000002.11:g.73799431delT.